The following is an entry in ClinVar:

ClinVar aggregate classification (germline): Uncertain significance. Review status: criteria provided, multiple submitters, no conflicts (2 of 4 stars). 2 submissions from 2 submitters: Uncertain significance (2). Last evaluated 2026-03-01.

Conditions:
Neurodevelopmental disorder with or without variable movement or behavioral abnormalities (NEDMAB). Identifiers: MedGen C5676908, MONDO:0859225, OMIM 619725.

Submissions (2):

CeGaT Center for Human Genetics Tuebingen
Classification: Uncertain significance. Last evaluated: 2026-03-01. Review status: criteria provided, single submitter. Criteria: CeGaT Center For Human Genetics Tuebingen Variant Classification Criteria Version 2. Collection method: clinical testing. Allele origin: germline. Affected: yes. Observed: 1 variant allele.
Comment: KCNN2: PVS1:Moderate, PM2:Supporting

MVZ Medizinische Genetik Mainz
Classification: Uncertain significance for Neurodevelopmental disorder with or without variable movement or behavioral abnormalities. Last evaluated: 2025-12-11. Review status: criteria provided, single submitter. Criteria: UK Practice Guidelines For Variant Classification V4 01 2020. Collection method: clinical testing. Allele origin: germline. Inheritance: Autosomal dominant inheritance. Affected: yes. Observed: 1 variant allele.
Comment: ACMG Criteria: PVS1_STR,PM2_SUP

NM_021614.4(KCNN2):c.43C>T (p.Gln15Ter)

Gene: KCNN2 (potassium calcium-activated channel subfamily N member 2; plus strand). Cytogenetic location: 5q22.3.
Variant type: single nucleotide variant.
Coding change: c.43C>T on transcript NM_021614.4 (MANE Select); coding-DNA position 43, C replaced by T.
Protein change: p.Gln15Ter; replaces glutamine 15 with a stop codon.
Molecular consequence: nonsense. On other transcripts: non-coding transcript variant (1).
Genome position (GRCh38, 1-based): chr5:114,362,182, C>T. VCF-style: chr5-114362182-C-T. GRCh37 (hg19) VCF-style: chr5-113697879-C-T.
Other names: c.241C>T, p.Gln81Ter (NM_001372233.1); short protein forms Q15*, Q81*.
Identifiers: ClinVar variation 4688163 (VCV004688163.5).